The following is an entry in ClinVar:

ClinVar aggregate classification (germline): Pathogenic/Likely pathogenic. Review status: criteria provided, multiple submitters, no conflicts (2 of 4 stars). 4 submissions from 4 submitters: Pathogenic (2); Likely pathogenic (2). Last evaluated 2025-12-15.

Conditions:
RECQL4-related disorder. Also called: RECQL4-related condition; RECQL4-related disorders.
Baller-Gerold syndrome (BGS). Also called: CRANIOSYNOSTOSIS WITH RADIAL DEFECTS. Identifiers: Orphanet 1225, MedGen C0265308, MONDO:0009039, OMIM 218600.

Submissions (4):

Labcorp Genetics (formerly Invitae), Labcorp
Classification: Pathogenic for Baller-Gerold syndrome. Last evaluated: 2025-12-15. Review status: criteria provided, single submitter. Criteria: Invitae Variant Classification Sherloc (09022015). Collection method: clinical testing. Allele origin: germline.
Comment: This sequence change creates a premature translational stop signal (p.Arg807Profs*38) in the RECQL4 gene. It is expected to result in an absent or disrupted protein product. Loss-of-function variants in RECQL4 are known to be pathogenic (PMID: 12734318, 12952869). This variant is present in population databases (no rsID available, gnomAD 0.006%). This premature translational stop signal has been observed in individual(s) with Rothmund-Thomson syndrome (PMID: 18716613). This variant is also known as c.2419ins5. ClinVar contains an entry for this variant (Variation ID: 641449). Algorithms developed to predict the effect of sequence changes on RNA splicing suggest that this variant may disrupt the consensus splice site. For these reasons, this variant has been classified as Pathogenic.

GeneDx
Classification: Likely pathogenic. Last evaluated: 2024-02-13. Review status: criteria provided, single submitter. Criteria: GeneDx Variant Classification Process June 2021. Collection method: clinical testing. Allele origin: germline. Affected: yes.
Comment: Frameshift variant predicted to result in protein truncation or nonsense mediated decay in a gene for which loss of function is a known mechanism of disease; This variant is associated with the following publications: (PMID: 18716613, 31829210)

CeGaT Center for Human Genetics Tuebingen
Classification: Pathogenic. Last evaluated: 2021-10-01. Review status: criteria provided, single submitter. Criteria: CeGaT Center For Human Genetics Tuebingen Variant Classification Criteria Version 2. Collection method: clinical testing. Allele origin: germline. Affected: yes. Observed: 1 variant allele.

Blueprint Genetics
Classification: Likely pathogenic for RECQL4-related disorders. Last evaluated: 2019-09-07. Review status: criteria provided, single submitter. Criteria: ACMG Guidelines, 2015. Collection method: clinical testing. Allele origin: germline. Affected: yes. Observed: 1 variant allele.

Literature cited by the submitters: PubMed 12734318 (cited by Labcorp Genetics (formerly Invitae), Labcorp); PubMed 12952869 (cited by Labcorp Genetics (formerly Invitae), Labcorp); PubMed 18716613 (cited by Labcorp Genetics (formerly Invitae), Labcorp).

NM_004260.4(RECQL4):c.2415_2419dup (p.Arg807fs)

Gene: RECQL4 (RecQ like helicase 4; minus strand). Cytogenetic location: 8q24.3.
Variant type: Microsatellite.
Coding change: c.2415_2419dup on transcript NM_004260.4 (MANE Select); coding-DNA positions 2415 to 2419, 5 bases duplicated (CGGGC; older notation c.2415_2419dupCGGGC).
Protein change: p.Arg807fs; shifts the reading frame from arginine 807.
Molecular consequence: frameshift variant.
Genome position (GRCh38, 1-based): chr8:144,513,262-144,513,266, GCCCG duplicated on the plus strand (CGGGC on the coding strand, the reverse complement: RECQL4 is on the minus strand); duplicating any 5 consecutive bases within chr8:144,513,262-144,513,275 gives the same sequence; the c. name uses the placement nearest the transcript's 3' end. VCF-style (leftmost placement, unchanged base first): chr8-144513261-C-CGCCCG. GRCh37 (hg19) VCF-style: chr8-145738644-C-CGCCCG.
Other names: c.2415_2419dup (NM_004260.3); short protein forms R807fs.
Identifiers: ClinVar variation 641449 (VCV000641449.43), dbSNP rs1564794448, ClinGen allele CA586165238.